The following is an entry in ClinVar:

NM_006767.4(LZTR1):c.2094del (p.Phe699fs)

Gene: LZTR1 (leucine zipper like post translational regulator 1; plus strand). Cytogenetic location: 22q11.21.
Variant type: Deletion.
Coding change: c.2094del on transcript NM_006767.4 (MANE Select); coding-DNA position 2094, one base deleted (C; older notation c.2094delC).
Protein change: p.Phe699fs; shifts the reading frame from phenylalanine 699.
Molecular consequence: frameshift variant.
Genome position (GRCh38, 1-based): chr22:20,995,987, C deleted; the last of 2 consecutive C bases (chr22:20,995,986-20,995,987); deleting either gives the same sequence. VCF-style (leftmost placement, unchanged base first): chr22-20995985-TC-T. GRCh37 (hg19) VCF-style: chr22-21350274-TC-T.
Other names: short protein forms F699fs.
Identifiers: ClinVar variation 2697292 (VCV002697292.3), dbSNP rs2518624441, ClinGen allele CA2697547696.
Genomic context (GRCh38, chr22:20,995,985, plus strand): 5'-CTGCTGACGGCCAGGTGCCTACCGCTCGTTGTCTGCAGCTACTTTGAAGCCATGTTCCGG[TC>T]CTTCATGCCCGAAGATGGGCAGGTGAACATCTCCATCGGGGAGATGGTGCCCAGCAGGCA-3'

ClinVar aggregate classification (germline): Pathogenic (1 of 4 stars; one submission).

Submission:

Labcorp Genetics (formerly Invitae), Labcorp
Classification: Pathogenic. Last evaluated: 2023-11-19. Review status: criteria provided, single submitter. Criteria: Invitae Variant Classification Sherloc (09022015). Collection method: clinical testing. Allele origin: germline.
Comment: This sequence change creates a premature translational stop signal (p.Phe699Serfs*8) in the LZTR1 gene. It is expected to result in an absent or disrupted protein product. Loss-of-function variants in LZTR1 are known to be pathogenic (PMID: 24362817, 25335493, 25480913, 25795793, 29469822, 30368668, 30442762, 30442766, 30481304, 30859559). This variant is not present in population databases (gnomAD no frequency). This variant has not been reported in the literature in individuals affected with LZTR1-related conditions. For these reasons, this variant has been classified as Pathogenic.

Literature cited by the submitters: PubMed 24362817; PubMed 25335493; PubMed 25480913; PubMed 25795793; PubMed 29469822; PubMed 30368668; PubMed 30442762; PubMed 30442766; PubMed 30481304; PubMed 30859559.